The following is an entry in ClinVar:

ClinVar aggregate classification (germline): Likely benign (0 of 4 stars; one submission).

Conditions:
BDNF-related disorder. Also called: BDNF-related condition.

gnomAD v4.1: 20 of 1,614,180 alleles (0.0012%); highest among the groups gnomAD compares: South Asian, 0.018%; 1 homozygote.

Submission:

PreventionGenetics, part of Exact Sciences
Classification: Likely benign for BDNF-related condition. Last evaluated: 2021-11-18. Review status: no assertion criteria provided. Collection method: clinical testing. Allele origin: germline.
Comment: This variant is classified as likely benign based on ACMG/AMP sequence variant interpretation guidelines (Richards et al. 2015 PMID: 25741868, with internal and published modifications).

NM_001709.5(BDNF):c.111G>A (p.Val37=)

Genes: BDNF (brain derived neurotrophic factor; minus strand), BDNF-AS (BDNF antisense RNA; plus strand). Cytogenetic location: 11p14.1.
Variant type: single nucleotide variant.
Coding change: c.111G>A on transcript NM_001709.5 (MANE Select); coding-DNA position 111, G replaced by A.
Protein change: p.Val37=; no amino-acid change (valine 37 retained).
Molecular consequence: synonymous variant. On other transcripts: non-coding transcript variant (5).
Genome position (GRCh38, 1-based): chr11:27,658,454, C>T on the plus strand (G>A on the coding strand, the complement: BDNF is on the minus strand). VCF-style: chr11-27658454-C-T. GRCh37 (hg19) VCF-style: chr11-27680001-C-T.
Other names: c.111G>A, p.Val37= (NM_001143805.1, NM_001143806.1, NM_001143807.2 and 9 more transcripts); c.198G>A, p.Val66= (NM_001143809.2); c.357G>A, p.Val119= (NM_001143810.2); c.135G>A, p.Val45= (NM_170731.5); c.156G>A, p.Val52= (NM_170734.4).
Identifiers: ClinVar variation 3353754 (VCV003353754.1).